The following is an entry in ClinVar:

ClinVar aggregate classification (germline): Pathogenic (1 of 4 stars; one submission).

Submission:

Labcorp Genetics (formerly Invitae), Labcorp
Classification: Pathogenic. Last evaluated: 2022-09-27. Review status: criteria provided, single submitter. Criteria: Invitae Variant Classification Sherloc (09022015). Collection method: clinical testing. Allele origin: germline.
Comment: For these reasons, this variant has been classified as Pathogenic. ClinVar contains an entry for this variant (Variation ID: 1075599). This variant has not been reported in the literature in individuals affected with CHM-related conditions. This variant is not present in population databases (gnomAD no frequency). This sequence change creates a premature translational stop signal (p.Thr511Asnfs*10) in the CHM gene. It is expected to result in an absent or disrupted protein product. Loss-of-function variants in CHM are known to be pathogenic (PMID: 9067750, 23811034).

Literature cited by the submitters: PubMed 9067750; PubMed 23811034.

NM_000390.4(CHM):c.1532del (p.Thr511fs)

Gene: CHM (CHM Rab escort protein; minus strand). Cytogenetic location: Xq21.2.
Variant type: Deletion.
Coding change: c.1532del on transcript NM_000390.4 (MANE Select); coding-DNA position 1532, one base deleted (C; older notation c.1532delC).
Protein change: p.Thr511fs; shifts the reading frame from threonine 511.
Molecular consequence: frameshift variant.
Genome position (GRCh38, 1-based): chrX:85,879,042, G deleted on the plus strand (C on the coding strand, the reverse complement: CHM is on the minus strand). VCF-style (leftmost placement, unchanged base first): chrX-85879041-TG-T. GRCh37 (hg19) VCF-style: chrX-85134046-TG-T.
Other names: c.1088del, p.Thr363fs (NM_001320959.1, NM_001362517.1, NM_001362518.2 and 1 more transcripts); short protein forms T363fs, T511fs.
Identifiers: ClinVar variation 1075599 (VCV001075599.7), dbSNP rs2148126477, ClinGen allele CA2499226899.